The following is an entry in ClinVar:

NM_001282531.3(ADNP):c.484C>T (p.Gln162Ter)

Gene: ADNP (activity dependent neuroprotector homeobox; minus strand). Cytogenetic location: 20q13.13.
Variant type: single nucleotide variant.
Coding change: c.484C>T on transcript NM_001282531.3 (MANE Select); coding-DNA position 484, C replaced by T.
Protein change: p.Gln162Ter; replaces glutamine 162 with a stop codon.
Molecular consequence: nonsense.
Genome position (GRCh38, 1-based): chr20:50,894,230, G>A on the plus strand (C>T on the coding strand, the complement: ADNP is on the minus strand). VCF-style: chr20-50894230-G-A. GRCh37 (hg19) VCF-style: chr20-49510767-G-A.
Other names: c.484C>T, p.Gln162Ter (NM_001282532.2, NM_001347511.2, NM_015339.5 and 1 more transcripts); c.484C>T (NM_015339.2); short protein forms Q162*.
Identifiers: ClinVar variation 984842 (VCV000984842.3), dbSNP rs1981147033, ClinGen allele CA408977698.
Genomic context (GRCh38, chr20:50,894,230, plus strand): 5'-TCCTAACTATTTCATAAAGAGGATCTCGGTAAGTGCACTTCTTACAGTAATAAACAGCTT[G>A]CTCTACACTGTCAGCCTGCTTAGGTTTAAGGCCATCATTTTTGTTTTTATCTTTGAAAGT-3'

ClinVar aggregate classification (germline): Pathogenic (1 of 4 stars; one submission).

Conditions:
ADNP-related multiple congenital anomalies - intellectual disability - autism spectrum disorder. Also called: ADNP-Related Helsmoortel-Van der Aa Syndrome; Helsmoortel-Van der Aa Syndrome. Identifiers: Orphanet 404448, MedGen C4014538, MONDO:0014379, OMIM 615873. Disease mechanism: loss of function.

Submission:

GeneDx
Classification: Pathogenic. Last evaluated: 2024-03-05. Review status: criteria provided, single submitter. Criteria: GeneDx Variant Classification Process June 2021. Collection method: clinical testing. Allele origin: germline. Affected: yes.
Comment: Identified in an individual with developmental delay, autism, and early dentition in the published literature (PMID: 28221363, 29724491); Nonsense variant predicted to result in protein truncation, as the last 941 amino acids are lost, and other loss-of-function variants have been reported downstream in HGMD; Not observed at significant frequency in large population cohorts (gnomAD); This variant is associated with the following publications: (PMID: 28221363, 29724491)